The following is an entry in ClinVar:

NM_001329943.3(KIAA0586):c.126T>A (p.Cys42Ter)

Gene: KIAA0586 (KIAA0586; plus strand). Cytogenetic location: 14q23.1.
Variant type: single nucleotide variant.
Coding change: c.126T>A on transcript NM_001329943.3 (MANE Select); coding-DNA position 126, T replaced by A.
Protein change: p.Cys42Ter; replaces cysteine 42 with a stop codon.
Molecular consequence: nonsense. On other transcripts: intron variant (5).
Genome position (GRCh38, 1-based): chr14:58,428,390, T>A. VCF-style: chr14-58428390-T-A. GRCh37 (hg19) VCF-style: chr14-58895108-T-A.
Other names: c.162T>A, p.Cys54Ter (NM_001244189.2); c.81T>A, p.Cys27Ter (NM_001244190.2); c.126T>A, p.Cys42Ter (NM_001329944.2, NM_001329946.2, NM_001329947.2 and 1 more transcripts); c.-57+753T>A (NM_001244192.2, NM_001244191.2); c.-57+577T>A (NM_001364701.2, NM_001329945.2, NM_001364700.1); short protein forms C27*, C42*, C54*.
Identifiers: ClinVar variation 1379251 (VCV001379251.6), dbSNP rs1301378192, ClinGen allele CA389859188.

ClinVar aggregate classification (germline): Pathogenic (1 of 4 stars; one submission).

Conditions:
Joubert syndrome 23 (JBTS23). Identifiers: Orphanet 475, MedGen C4084822, MONDO:0014664, OMIM 616490.
Short-rib thoracic dysplasia 14 with polydactyly (SRTD14). Identifiers: Orphanet 397715, MedGen C4225286, MONDO:0014688, OMIM 616546.

Submission:

Labcorp Genetics (formerly Invitae), Labcorp
Classification: Pathogenic for Joubert syndrome 23; Short-rib thoracic dysplasia 14 with polydactyly. Last evaluated: 2021-09-14. Review status: criteria provided, single submitter. Criteria: Invitae Variant Classification Sherloc (09022015). Collection method: clinical testing. Allele origin: germline.
Comment: For these reasons, this variant has been classified as Pathogenic. This variant has not been reported in the literature in individuals affected with KIAA0586-related conditions. This sequence change creates a premature translational stop signal (p.Cys54*) in the KIAA0586 gene. It is expected to result in an absent or disrupted protein product. Loss-of-function variants in KIAA0586 are known to be pathogenic (PMID: 26096313, 26166481, 26386044). This variant is not present in population databases (ExAC no frequency).

Literature cited by the submitters: PubMed 26096313; PubMed 26166481; PubMed 26386044.